The following is an entry in ClinVar:

NM_022436.3(ABCG5):c.395T>A (p.Val132Asp)

Gene: ABCG5 (ATP binding cassette subfamily G member 5; minus strand). Cytogenetic location: 2p21.
Variant type: single nucleotide variant.
Coding change: c.395T>A on transcript NM_022436.3 (MANE Select); coding-DNA position 395, T replaced by A.
Protein change: p.Val132Asp; replaces valine 132 with aspartic acid.
Molecular consequence: missense variant.
Genome position (GRCh38, 1-based): chr2:43,831,954, A>T on the plus strand (T>A on the coding strand, the complement: ABCG5 is on the minus strand). VCF-style: chr2-43831954-A-T. GRCh37 (hg19) VCF-style: chr2-44059093-A-T.
Other names: short protein forms V132D.
Identifiers: ClinVar variation 2564004 (VCV002564004.2), dbSNP rs1402774773, ClinGen allele CA346667864.

ClinVar aggregate classification (germline): Uncertain significance (1 of 4 stars; one submission).

Conditions:
Cardiovascular phenotype. Identifiers: MedGen CN230736.

Allele frequency attached by ClinVar (database versions not stated): gnomAD 0.00001.
gnomAD v4.1: 1 of 1,549,810 alleles (0.000065%); highest among the groups gnomAD compares: African/African-American, 0.0014%; no homozygotes.

Submission:

Ambry Genetics
Classification: Uncertain significance for Cardiovascular phenotype. Last evaluated: 2023-04-05. Review status: criteria provided, single submitter. Criteria: Ambry Variant Classification Scheme 2023. Collection method: clinical testing. Allele origin: germline.
Comment: The p.V132D variant (also known as c.395T>A), located in coding exon 3 of the ABCG5 gene, results from a T to A substitution at nucleotide position 395. The valine at codon 132 is replaced by aspartic acid, an amino acid with highly dissimilar properties. This amino acid position is conserved. In addition, this alteration is predicted to be deleterious by in silico analysis. Since supporting evidence is limited at this time, the clinical significance of this alteration remains unclear.